The following is an entry in ClinVar:

NM_002010.3(FGF9):c.*516C>A

Gene: FGF9 (fibroblast growth factor 9; plus strand). Cytogenetic location: 13q12.11.
Variant type: single nucleotide variant.
Coding change: c.*516C>A on transcript NM_002010.3 (MANE Select); 516 bases downstream of the stop codon, C replaced by A.
Molecular consequence: 3 prime UTR variant.
Genome position (GRCh38, 1-based): chr13:21,701,951, C>A. VCF-style: chr13-21701951-C-A. GRCh37 (hg19) VCF-style: chr13-22276090-C-A.
Identifiers: ClinVar variation 311447 (VCV000311447.5), dbSNP rs73430215, ClinGen allele CA10634012.
Genomic context (GRCh38, chr13:21,701,951, plus strand): 5'-GGTGGCCTGCGCGAGGGTGCAGTCTTACTTAAAAGACTTTCAGTTAATTCTCACTGGTAT[C>A]ATCGCAGTGAACTTAAAGCAAAGACCTCTTAGTAAAAAATAAAAAAAAATAAAAAATAAA-3'

ClinVar aggregate classification (germline): Benign (1 of 4 stars; one submission).

Conditions:
Multiple synostoses syndrome 3 (SYNS3). Identifiers: Orphanet 3237, MedGen C2751826, MONDO:0013064, OMIM 612961.

Allele frequency attached by ClinVar (database versions not stated): 1000 Genomes Project 0.00359; 1000 Genomes Project 30x 0.00359; gnomAD 0.00419; TOPMed 0.00448.

Submission:

Illumina Laboratory Services, Illumina
Classification: Benign for Multiple synostoses syndrome 3. Last evaluated: 2018-01-12. Review status: criteria provided, single submitter. Criteria: ICSL Variant Classification Criteria 13 December 2019. Collection method: clinical testing. Allele origin: germline.
Comment: This variant was observed in the ICSL laboratory as part of a predisposition screen in an ostensibly healthy population. It had not been previously curated by ICSL or reported in the Human Gene Mutation Database (HGMD: prior to June 1st, 2018), and was therefore a candidate for classification through an automated scoring system. Utilizing variant allele frequency, disease prevalence and penetrance estimates, and inheritance mode, an automated score was calculated to assess if this variant is too frequent to cause the disease. Based on the score and internal cut-off values, a variant classified as benign is not then subjected to further curation. The score for this variant resulted in a classification of benign for this disease.